The following is an entry in ClinVar:

NM_000059.4(BRCA2):c.*382A>G

Gene: BRCA2 (BRCA2 DNA repair associated; plus strand). Cytogenetic location: 13q13.1.
Variant type: single nucleotide variant.
Coding change: c.*382A>G on transcript NM_000059.4 (MANE Select); 382 bases downstream of the stop codon, A replaced by G.
Molecular consequence: 3 prime UTR variant.
Genome position (GRCh38, 1-based): chr13:32,399,152, A>G. VCF-style: chr13-32399152-A-G. GRCh37 (hg19) VCF-style: chr13-32973289-A-G.
Identifiers: ClinVar variation 311669 (VCV000311669.5), dbSNP rs559790882, ClinGen allele CA10639299.

ClinVar aggregate classification (germline): Likely benign. Review status: criteria provided, single submitter (1 of 4 stars). 2 submissions from 1 submitter: Likely benign (2). Last evaluated 2018-03-06.

Conditions:
Breast-ovarian cancer, familial, susceptibility to, 2 (BROVCA2). Also called: BRCA2 Hereditary Breast and Ovarian Cancer. Identifiers: Orphanet 145, MedGen C2675520, MONDO:0012933, OMIM 612555. Disease mechanism: loss of function.
Fanconi anemia complementation group D1. Also called: BRCA2-Related Fanconi Anemia. Identifiers: Orphanet 319462, MedGen C1838457, MONDO:0011584, OMIM 605724.

Allele frequency attached by ClinVar (database versions not stated): gnomAD 0.00107 and 0.00113; gnomAD exomes 0.00020; TOPMed 0.00119; 1000 Genomes Project 0.00220; 1000 Genomes Project 30x 0.00265.

Submissions (2):

Illumina Laboratory Services, Illumina
Classification: Likely benign for Fanconi anemia complementation group D1. Last evaluated: 2018-03-06. Review status: criteria provided, single submitter. Criteria: ICSL Variant Classification Criteria 13 December 2019. Collection method: clinical testing. Allele origin: germline.
Comment: This variant was observed as part of a predisposition screen in an ostensibly healthy population. A literature search was performed for the gene, cDNA change, and amino acid change (where applicable). No publications were found based on this search. Allele frequency data from public databases allowed determination this variant is unlikely to cause disease. Therefore, this variant is classified as likely benign.

Illumina Laboratory Services, Illumina
Classification: Likely benign for Breast-ovarian cancer, familial, susceptibility to, 2. Last evaluated: 2018-03-06. Review status: criteria provided, single submitter. Criteria: ICSL Variant Classification Criteria 13 December 2019. Collection method: clinical testing. Allele origin: germline.
Comment: the same text as in the submission from Illumina Laboratory Services, Illumina above.